The following is an entry in ClinVar:

NM_001291303.3(FAT4):c.73C>T (p.Leu25Phe)

Gene: FAT4 (FAT atypical cadherin 4; plus strand). Cytogenetic location: 4q28.1.
Variant type: single nucleotide variant.
Coding change: c.73C>T on transcript NM_001291303.3 (MANE Select); coding-DNA position 73, C replaced by T.
Protein change: p.Leu25Phe; replaces leucine 25 with phenylalanine.
Molecular consequence: missense variant.
Genome position (GRCh38, 1-based): chr4:125,316,484, C>T. VCF-style: chr4-125316484-C-T. GRCh37 (hg19) VCF-style: chr4-126237639-C-T.
Other names: c.73C>T, p.Leu25Phe (NM_001291285.3, NM_024582.6); short protein forms L25F.
Identifiers: ClinVar variation 3625345 (VCV003625345.1).

ClinVar aggregate classification (germline): Uncertain significance (1 of 4 stars; one submission).

gnomAD v4.1: 17 of 1,613,974 alleles (0.0011%); highest among the groups gnomAD compares: Admixed American, 0.0017%; no homozygotes.

Submission:

Labcorp Genetics (formerly Invitae), Labcorp
Classification: Uncertain significance. Last evaluated: 2024-10-05. Review status: criteria provided, single submitter. Criteria: Invitae Variant Classification Sherloc (09022015). Collection method: clinical testing. Allele origin: germline.
Comment: This sequence change replaces leucine, which is neutral and non-polar, with phenylalanine, which is neutral and non-polar, at codon 25 of the FAT4 protein (p.Leu25Phe). This variant is present in population databases (rs755869340, gnomAD 0.004%). This variant has not been reported in the literature in individuals affected with FAT4-related conditions. Invitae Evidence Modeling of protein sequence and biophysical properties (such as structural, functional, and spatial information, amino acid conservation, physicochemical variation, residue mobility, and thermodynamic stability) indicates that this missense variant is not expected to disrupt FAT4 protein function with a negative predictive value of 95%. In summary, the available evidence is currently insufficient to determine the role of this variant in disease. Therefore, it has been classified as a Variant of Uncertain Significance.